The following is an entry in ClinVar:

NM_004655.4(AXIN2):c.1264C>G (p.Pro422Ala)

Gene: AXIN2 (axin 2; minus strand). Cytogenetic location: 17q24.1.
Variant type: single nucleotide variant.
Coding change: c.1264C>G on transcript NM_004655.4 (MANE Select); coding-DNA position 1264, C replaced by G.
Protein change: p.Pro422Ala; replaces proline 422 with alanine.
Molecular consequence: missense variant.
Genome position (GRCh38, 1-based): chr17:65,537,772, G>C on the plus strand (C>G on the coding strand, the complement: AXIN2 is on the minus strand). VCF-style: chr17-65537772-G-C. GRCh37 (hg19) VCF-style: chr17-63533890-G-C.
Other names: c.1264C>G, p.Pro422Ala (NM_001363813.1); short protein forms P422A.
Identifiers: ClinVar variation 818747 (VCV000818747.14), dbSNP rs878854718, ClinGen allele CA400677851.

ClinVar aggregate classification (germline): Uncertain significance. Review status: criteria provided, multiple submitters, no conflicts (2 of 4 stars). 2 submissions from 2 submitters: Uncertain significance (2). Last evaluated 2025-04-07.

Conditions:
Oligodontia-cancer predisposition syndrome. Also called: TOOTH AGENESIS-COLORECTAL CANCER SYNDROME. Identifiers: Orphanet 300576, MedGen C1837750, MONDO:0012075, OMIM 608615. Disease mechanism: loss of function.
Hereditary cancer-predisposing syndrome. Also called: Tumor predisposition; Hereditary neoplastic syndrome; Neoplastic Syndromes, Hereditary; Hereditary Cancer Syndrome. Identifiers: Orphanet 140162, MedGen C0027672, MeSH D009386, MONDO:0015356.

gnomAD v4.1: 1 of 1,586,564 alleles (0.000063%); highest among the groups gnomAD compares: African/African-American, 0.0013%; no homozygotes.

Submissions (2):

Labcorp Genetics (formerly Invitae), Labcorp
Classification: Uncertain significance for Oligodontia-cancer predisposition syndrome. Last evaluated: 2025-04-07. Review status: criteria provided, single submitter. Criteria: Invitae Variant Classification Sherloc (09022015). Collection method: clinical testing. Allele origin: germline.
Comment: This sequence change replaces proline, which is neutral and non-polar, with alanine, which is neutral and non-polar, at codon 422 of the AXIN2 protein (p.Pro422Ala). This variant is present in population databases (no rsID available, gnomAD 0.009%). This variant has not been reported in the literature in individuals affected with AXIN2-related conditions. ClinVar contains an entry for this variant (Variation ID: 818747). Invitae Evidence Modeling of protein sequence and biophysical properties (such as structural, functional, and spatial information, amino acid conservation, physicochemical variation, residue mobility, and thermodynamic stability) indicates that this missense variant is not expected to disrupt AXIN2 protein function with a negative predictive value of 80%. In summary, the available evidence is currently insufficient to determine the role of this variant in disease. Therefore, it has been classified as a Variant of Uncertain Significance.

Ambry Genetics
Classification: Uncertain significance for Hereditary cancer-predisposing syndrome. Last evaluated: 2025-01-14. Review status: criteria provided, single submitter. Criteria: Ambry Variant Classification Scheme 2023. Collection method: clinical testing. Allele origin: germline.
Comment: The p.P422A variant (also known as c.1264C>G), located in coding exon 5 of the AXIN2 gene, results from a C to G substitution at nucleotide position 1264. The proline at codon 422 is replaced by alanine, an amino acid with highly similar properties. This amino acid position is well conserved in available vertebrate species. In addition, this alteration is predicted to be tolerated by in silico analysis. Since supporting evidence is limited at this time, the clinical significance of this alteration remains unclear.